The following is an entry in ClinVar:

NM_003873.7(NRP1):c.8G>C (p.Arg3Thr)

Gene: NRP1 (neuropilin 1; minus strand). Cytogenetic location: 10p11.22.
Variant type: single nucleotide variant.
Coding change: c.8G>C on transcript NM_003873.7 (MANE Select); coding-DNA position 8, G replaced by C.
Protein change: p.Arg3Thr; replaces arginine 3 with threonine.
Molecular consequence: missense variant. On other transcripts: non-coding transcript variant (1).
Genome position (GRCh38, 1-based): chr10:33,334,375, C>G on the plus strand (G>C on the coding strand, the complement: NRP1 is on the minus strand). VCF-style: chr10-33334375-C-G. GRCh37 (hg19) VCF-style: chr10-33623303-C-G.
Other names: c.8G>C, p.Arg3Thr (NM_001024628.3, NM_001024629.3, NM_001244972.2 and 2 more transcripts); short protein forms R3T.
Identifiers: ClinVar variation 3358578 (VCV003358578.2).

ClinVar aggregate classification (germline): Uncertain significance (1 of 4 stars; one submission).

Conditions:
NRP1-related disorder. Also called: NRP1-related condition.

gnomAD v4.1: 94 of 1,545,458 alleles (0.0061%); highest among the groups gnomAD compares: Non-Finnish European, 0.007%; no homozygotes.

Submission:

PreventionGenetics, part of Exact Sciences
Classification: Uncertain significance for NRP1-related condition. Last evaluated: 2026-09-25. Review status: criteria provided, single submitter. Criteria: ACMG Guidelines, 2015. Collection method: clinical testing. Allele origin: germline.
Comment: The NRP1 c.8G>C variant is predicted to result in the amino acid substitution p.Arg3Thr. To our knowledge, this variant has not been reported in the literature or in a large population database, indicating this variant is rare. At this time, the clinical significance of this variant is uncertain due to the absence of conclusive functional and genetic evidence.